The following is an entry in ClinVar:

NM_001130987.2(DYSF):c.4838G>A (p.Gly1613Glu)

Gene: DYSF (dysferlin; plus strand). Cytogenetic location: 2p13.2.
Variant type: single nucleotide variant.
Coding change: c.4838G>A on transcript NM_001130987.2 (MANE Select); coding-DNA position 4838, G replaced by A.
Protein change: p.Gly1613Glu; replaces glycine 1613 with glutamic acid.
Molecular consequence: missense variant.
Genome position (GRCh38, 1-based): chr2:71,658,960, G>A. VCF-style: chr2-71658960-G-A. GRCh37 (hg19) VCF-style: chr2-71886090-G-A.
Other names: c.4724G>A, p.Gly1575Glu (NM_001130455.2); c.4679G>A, p.Gly1560Glu (NM_001130976.2); c.4742G>A, p.Gly1581Glu (NM_001130977.2); c.4784G>A, p.Gly1595Glu (NM_001130978.2); c.4814G>A, p.Gly1605Glu (NM_001130979.2); c.4772G>A, p.Gly1591Glu (NM_001130980.2); c.4835G>A, p.Gly1612Glu (NM_001130981.2); c.4817G>A, p.Gly1606Glu (NM_001130982.2); and 5 more; short protein forms G1581E, G1595E, G1596E, G1560E, G1574E, G1605E, G1606E, G1612E.
Identifiers: ClinVar variation 1897749 (VCV001897749.2), dbSNP rs2546494594, ClinGen allele CA347219769.

ClinVar aggregate classification (germline): Uncertain significance (1 of 4 stars; one submission).

Conditions:
Neuromuscular disease caused by qualitative or quantitative defects of dysferlin. Also called: Dysferlinopathy; Qualitative or quantitative defects of dysferlin. Identifiers: Orphanet 207073, MedGen C2931687, MONDO:0016145.

Allele frequency attached by ClinVar (database versions not stated): gnomAD exomes below 0.00001.
gnomAD v4.1: 1 of 1,614,132 alleles (0.000062%); highest among the groups gnomAD compares: Admixed American, 0.0017%; no homozygotes.

Submission:

Labcorp Genetics (formerly Invitae), Labcorp
Classification: Uncertain significance for Neuromuscular disease caused by qualitative or quantitative defects of dysferlin. Last evaluated: 2020-10-06. Review status: criteria provided, single submitter. Criteria: Invitae Variant Classification Sherloc (09022015). Collection method: clinical testing. Allele origin: germline.
Comment: This sequence change replaces glycine with glutamic acid at codon 1574 of the DYSF protein (p.Gly1574Glu). The glycine residue is highly conserved and there is a moderate physicochemical difference between glycine and glutamic acid. This variant is not present in population databases (ExAC no frequency). This variant has not been reported in the literature in individuals with DYSF-related conditions. Advanced modeling of protein sequence and biophysical properties (such as structural, functional, and spatial information, amino acid conservation, physicochemical variation, residue mobility, and thermodynamic stability) performed at Invitae indicates that this missense variant is not expected to disrupt DYSF protein function. In summary, the available evidence is currently insufficient to determine the role of this variant in disease. Therefore, it has been classified as a Variant of Uncertain Significance.